The following is an entry in ClinVar:

ClinVar aggregate classification (germline): Benign/Likely benign. Review status: criteria provided, multiple submitters, no conflicts (2 of 4 stars). 3 submissions from 3 submitters: Benign (1); Likely benign (1). 1 of the submissions does not count toward it. Last evaluated 2025-12-30.

Conditions:
DDX59-related disorder. Also called: DDX59-related condition.

Allele frequency attached by ClinVar (database versions not stated): gnomAD exomes 0.00024 and 0.00068; ExAC 0.00099; gnomAD 0.00259 and 0.00277; ESP Exome Variant Server 0.00261; TOPMed 0.00294; 1000 Genomes Project 0.00339; 1000 Genomes Project 30x 0.00422.
gnomAD v4.1: 759 of 1,608,876 alleles (0.047%); highest among the groups gnomAD compares: African/African-American, 0.8%; 3 homozygotes.

Submissions (3):

Labcorp Genetics (formerly Invitae), Labcorp
Classification: Benign. Last evaluated: 2025-12-30. Review status: criteria provided, single submitter. Criteria: Invitae Variant Classification Sherloc (09022015). Collection method: clinical testing. Allele origin: germline.

Blueprint Genetics
Classification: Likely benign. Last evaluated: 2024-11-01. Review status: criteria provided, single submitter. Criteria: ACMG Guidelines, 2015. Collection method: clinical testing. Allele origin: germline.

PreventionGenetics, part of Exact Sciences
Classification: Benign for DDX59-related condition. Last evaluated: 2020-01-06. Review status: no assertion criteria provided. Collection method: clinical testing. Allele origin: germline. Not counted in ClinVar's aggregate classification.
Comment: This variant is classified as benign based on ACMG/AMP sequence variant interpretation guidelines (Richards et al. 2015 PMID: 25741868, with internal and published modifications).

NM_001031725.6(DDX59):c.966T>C (p.His322=)

Gene: DDX59 (DEAD-box helicase 59; minus strand). Cytogenetic location: 1q32.1.
Variant type: single nucleotide variant.
Coding change: c.966T>C on transcript NM_001031725.6 (MANE Select); coding-DNA position 966, T replaced by C.
Protein change: p.His322=; no amino-acid change (histidine 322 retained).
Molecular consequence: synonymous variant.
Genome position (GRCh38, 1-based): chr1:200,663,925, A>G on the plus strand (T>C on the coding strand, the complement: DDX59 is on the minus strand). VCF-style: chr1-200663925-A-G. GRCh37 (hg19) VCF-style: chr1-200633053-A-G.
Other names: c.966T>C, p.His322= (NM_001320181.2, NM_001320182.1, NM_001349799.3 and 5 more transcripts).
Identifiers: ClinVar variation 714101 (VCV000714101.13), dbSNP rs145473014, ClinGen allele CA1318396.